The following is an entry in ClinVar:

NM_198576.4(AGRN):c.3721C>A (p.Leu1241Met)

Gene: AGRN (agrin; plus strand). Cytogenetic location: 1p36.33.
Variant type: single nucleotide variant.
Coding change: c.3721C>A on transcript NM_198576.4 (MANE Select); coding-DNA position 3721, C replaced by A.
Protein change: p.Leu1241Met; replaces leucine 1241 with methionine.
Molecular consequence: missense variant.
Genome position (GRCh38, 1-based): chr1:1,047,865, C>A. VCF-style: chr1-1047865-C-A. GRCh37 (hg19) VCF-style: chr1-983245-C-A.
Other names: c.3721C>A, p.Leu1241Met (NM_001305275.2); c.3406C>A, p.Leu1136Met (NM_001364727.2); short protein forms L1241M, L1136M.
Identifiers: ClinVar variation 933434 (VCV000933434.11), dbSNP rs202194761, ClinGen allele CA509200.

ClinVar aggregate classification (germline): Uncertain significance. Review status: criteria provided, multiple submitters, no conflicts (2 of 4 stars). 2 submissions from 2 submitters: Uncertain significance (2). Last evaluated 2022-08-16.

Conditions:
Congenital myasthenic syndrome 8. Also called: MYASTHENIC SYNDROME, CONGENITAL, DUE TO AGRIN DEFICIENCY; Myasthenic syndrome, congenital, 8, with pre- and postsynaptic defects. Identifiers: Orphanet 590, MedGen C3808739, MONDO:0014052, OMIM 615120.
Inborn genetic diseases. Identifiers: MedGen C0950123, MeSH D030342.

Allele frequency attached by ClinVar (database versions not stated): ExAC below 0.00001; gnomAD exomes below 0.00001; gnomAD 0.00001; TOPMed 0.00003; 1000 Genomes Project 30x 0.00016; 1000 Genomes Project 0.00020.
gnomAD v4.1: 5 of 1,606,148 alleles (0.00031%); highest among the groups gnomAD compares: African/African-American, 0.0053%; no homozygotes.

Submissions (2):

Labcorp Genetics (formerly Invitae), Labcorp
Classification: Uncertain significance for Congenital myasthenic syndrome 8. Last evaluated: 2022-08-16. Review status: criteria provided, single submitter. Criteria: Invitae Variant Classification Sherloc (09022015). Collection method: clinical testing. Allele origin: germline.
Comment: This sequence change replaces leucine, which is neutral and non-polar, with methionine, which is neutral and non-polar, at codon 1241 of the AGRN protein (p.Leu1241Met). In summary, the available evidence is currently insufficient to determine the role of this variant in disease. Therefore, it has been classified as a Variant of Uncertain Significance. Algorithms developed to predict the effect of missense changes on protein structure and function are either unavailable or do not agree on the potential impact of this missense change (SIFT: "Tolerated"; PolyPhen-2: "Possibly Damaging"; Align-GVGD: "Class C0"). ClinVar contains an entry for this variant (Variation ID: 933434). This variant has not been reported in the literature in individuals affected with AGRN-related conditions. This variant is present in population databases (rs202194761, gnomAD 0.008%).

Ambry Genetics
Classification: Uncertain significance for Inborn genetic diseases. Last evaluated: 2021-12-07. Review status: criteria provided, single submitter. Criteria: Ambry Variant Classification Scheme 2023. Collection method: clinical testing. Allele origin: germline.